The following is an entry in ClinVar:

NM_020975.6(RET):c.1921G>C (p.Ala641Pro)

Gene: RET (ret proto-oncogene; plus strand). Cytogenetic location: 10q11.21.
Variant type: single nucleotide variant.
Coding change: c.1921G>C on transcript NM_020975.6 (MANE Select); coding-DNA position 1921, G replaced by C.
Protein change: p.Ala641Pro; replaces alanine 641 with proline.
Molecular consequence: missense variant.
Genome position (GRCh38, 1-based): chr10:43,114,521, G>C. VCF-style: chr10-43114521-G-C. GRCh37 (hg19) VCF-style: chr10-43609969-G-C.
Other names: p.Ala641Pro; c.1921G>C, p.Ala641Pro (NM_000323.2, NM_001406743.1, NM_001406744.1 and 4 more transcripts); c.1159G>C, p.Ala387Pro (NM_001355216.2); c.1792G>C, p.Ala598Pro (NM_001406761.1, NM_001406762.1, NM_001406764.1); c.1633G>C, p.Ala545Pro (NM_001406766.1, NM_001406767.1, NM_001406770.1); c.1525G>C, p.Ala509Pro (NM_001406769.1, NM_001406772.1); c.1483G>C, p.Ala495Pro (NM_001406771.1, NM_001406773.1); c.1396G>C, p.Ala466Pro (NM_001406774.1); and 8 more; short protein forms A387P, A641P, A158P, A302P, A246P, A466P, A509P, A299P.
Identifiers: ClinVar variation 1698934 (VCV001698934.4), dbSNP rs377767411, ClinGen allele CA376552942.
Genomic context (GRCh38, chr10:43,114,521, plus strand): 5'-ACACCACCCCCACCCACAGATCCACTGTGCGACGAGCTGTGCCGCACGGTGATCGCAGCC[G>C]CTGTCCTCTTCTCCTTCATCGTCTCGGTGCTGCTGTCTGCCTTCTGCATCCACTGCTACC-3'
Protein context (NP_066124.1, residues 631-651): DELCRTVIAA[Ala641Pro]VLFSFIVSVL

ClinVar aggregate classification (germline): Uncertain significance. Review status: criteria provided, multiple submitters, no conflicts (2 of 4 stars). 2 submissions from 2 submitters: Uncertain significance (2). Last evaluated 2022-11-15.

Conditions:
Familial medullary thyroid carcinoma (MTC). Also called: Thyroid cancer, familial medullary; MTC, familial; Familial Medullary Thyroid Carcinoma (FMTC). Identifiers: Orphanet 653, Orphanet 99361, MedGen C1833921, MONDO:0007958, OMIM 155240.

Submissions (2):

Mayo Clinic Laboratories, Mayo Clinic
Classification: Uncertain significance. Last evaluated: 2022-11-15. Review status: criteria provided, single submitter. Criteria: ACMG Guidelines, 2015. Collection method: clinical testing. Allele origin: germline. Observed: 1 variant allele.
Comment: PP3, PM2

Genetics and Molecular Pathology, SA Pathology
Classification: Uncertain significance for Familial medullary thyroid carcinoma. Last evaluated: 2021-01-15. Review status: criteria provided, single submitter. Criteria: ACMG Guidelines, 2015. Collection method: clinical testing. Allele origin: germline. Inheritance: Autosomal dominant inheritance. Affected: yes.